The following is an entry in ClinVar:

ClinVar aggregate classification (germline): Uncertain significance (1 of 4 stars; one submission).

Conditions:
Hereditary cancer-predisposing syndrome. Also called: Hereditary neoplastic syndrome; Neoplastic Syndromes, Hereditary; Tumor predisposition; Hereditary Cancer Syndrome. Identifiers: Orphanet 140162, MedGen C0027672, MeSH D009386, MONDO:0015356.

Submission:

Ambry Genetics
Classification: Uncertain significance for Hereditary cancer-predisposing syndrome. Last evaluated: 2025-08-27. Review status: criteria provided, single submitter. Criteria: Ambry Variant Classification Scheme 2023. Collection method: clinical testing. Allele origin: germline.
Comment: The p.S164R variant (also known as c.492T>G), located in coding exon 6 of the MUTYH gene, results from a T to G substitution at nucleotide position 492. The serine at codon 164 is replaced by arginine, an amino acid with dissimilar properties. This amino acid position is conserved. In addition, this alteration is predicted to be tolerated by in silico analysis. Based on the available evidence, the clinical significance of this variant remains unclear.

NM_001048174.2(MUTYH):c.408T>G (p.Ser136Arg)

Gene: MUTYH (mutY DNA glycosylase; minus strand). Cytogenetic location: 1p34.1.
Variant type: single nucleotide variant.
Coding change: c.408T>G on transcript NM_001048174.2 (MANE Select); coding-DNA position 408, T replaced by G.
Protein change: p.Ser136Arg; replaces serine 136 with arginine.
Molecular consequence: missense variant. On other transcripts: non-coding transcript variant (6), intron variant (4).
Genome position (GRCh38, 1-based): chr1:45,332,930, A>C on the plus strand (T>G on the coding strand, the complement: MUTYH is on the minus strand). VCF-style: chr1-45332930-A-C. GRCh37 (hg19) VCF-style: chr1-45798602-A-C.
Other names: c.408T>G, p.Ser136Arg (NM_001048171.2, NM_001048173.2, NM_001293195.2 and 5 more transcripts); c.411T>G, p.Ser137Arg (NM_001048172.2, NM_001407086.1, NM_001407071.1 and 1 more transcripts); c.492T>G, p.Ser164Arg (NM_001128425.2); c.453T>G, p.Ser151Arg (NM_001293190.2); c.441T>G, p.Ser147Arg (NM_001293191.2, NM_001407077.1); c.132T>G, p.Ser44Arg (NM_001293192.2, NM_001293196.2, NM_001407091.1); c.63T>G, p.Ser21Arg (NM_001350650.2, NM_001350651.2, NM_001407082.1); c.450T>G, p.Ser150Arg (NM_001407085.1, NM_001407083.1); and 7 more; short protein forms S143R, S151R, S161R, S164R, S21R, S108R, S136R, S137R.
Identifiers: ClinVar variation 4113692 (VCV004113692.1).
Genomic context (GRCh38, chr1:45,332,930, plus strand): 5'-TCAGTCCCTCTATTGTTCCTATTTCCCCTACCCTAGGGTGGCTCTCACCTCCAGGGAAGC[A>C]CTGGCCAGGTCCTGCAGTGTAGGCCACTTCTATAGCCACAGGCAGGCAGAAAGAGACAAG-3'
Protein context (NP_001041639.1, residues 126-146): QKWPTLQDLA[Ser136Arg]ASLEEVNQLW